The following is an entry in ClinVar:

NM_015898.4(ZBTB7A):c.878C>T (p.Ser293Phe)

Gene: ZBTB7A (zinc finger and BTB domain containing 7A; minus strand). Cytogenetic location: 19p13.3.
Variant type: single nucleotide variant.
Coding change: c.878C>T on transcript NM_015898.4 (MANE Select); coding-DNA position 878, C replaced by T.
Protein change: p.Ser293Phe; replaces serine 293 with phenylalanine.
Molecular consequence: missense variant.
Genome position (GRCh38, 1-based): chr19:4,054,355, G>A on the plus strand (C>T on the coding strand, the complement: ZBTB7A is on the minus strand). VCF-style: chr19-4054355-G-A. GRCh37 (hg19) VCF-style: chr19-4054353-G-A.
Other names: c.878C>T, p.Ser293Phe (NM_001317990.2); short protein forms S293F.
Identifiers: ClinVar variation 4981982 (VCV004981982.1).

ClinVar aggregate classification (germline): Uncertain significance (1 of 4 stars; one submission).

Conditions:
ZBTB7A-related disorder. Also called: ZBTB7A-related condition.

Submission:

PreventionGenetics, part of Exact Sciences
Classification: Uncertain significance for ZBTB7A-related condition. Last evaluated: 2025-12-18. Review status: criteria provided, single submitter. Criteria: ACMG Guidelines, 2015. Collection method: clinical testing. Allele origin: germline.
Comment: The ZBTB7A c.878C>T variant is predicted to result in the amino acid substitution p.Ser293Phe. To our knowledge, this variant has not been reported in the literature or in a large population database (gnomAD), indicating this variant is rare. At this time, the clinical significance of this variant is uncertain due to the absence of conclusive functional and genetic evidence.